The following is an entry in ClinVar:

ClinVar aggregate classification (germline): Uncertain significance (1 of 4 stars; one submission).

Conditions:
Familial thoracic aortic aneurysm and aortic dissection (TAAD). Also called: Thoracic aortic aneurysms and dissections. Identifiers: Orphanet 91387, MedGen C4707243, MONDO:0019625.

Allele frequency attached by ClinVar (database versions not stated): gnomAD exomes below 0.00001.
gnomAD v4.1: 2 of 1,613,966 alleles (0.00012%); highest among the groups gnomAD compares: Non-Finnish European, 0.00017%; no homozygotes.

Submission:

Ambry Genetics
Classification: Uncertain significance for Familial thoracic aortic aneurysm and aortic dissection. Last evaluated: 2021-05-11. Review status: criteria provided, single submitter. Criteria: Ambry Variant Classification Scheme 2023. Collection method: clinical testing. Allele origin: germline.
Comment: The p.S1394R variant (also known as c.4180A>C), located in coding exon 32 of the FBN2 gene, results from an A to C substitution at nucleotide position 4180. The serine at codon 1394 is replaced by arginine, an amino acid with dissimilar properties, and is located in the cbEGF-like #19 domain. This amino acid position is not well conserved in available vertebrate species, and arginine is the reference amino acid in other vertebrate species. In addition, this alteration is predicted to be tolerated by in silico analysis. Since supporting evidence is limited at this time, the clinical significance of this alteration remains unclear.

NM_001999.4(FBN2):c.4180A>C (p.Ser1394Arg)

Gene: FBN2 (fibrillin 2; minus strand). Cytogenetic location: 5q23.3.
Variant type: single nucleotide variant.
Coding change: c.4180A>C on transcript NM_001999.4 (MANE Select); coding-DNA position 4180, A replaced by C.
Protein change: p.Ser1394Arg; replaces serine 1394 with arginine.
Molecular consequence: missense variant.
Genome position (GRCh38, 1-based): chr5:128,332,954, T>G on the plus strand (A>C on the coding strand, the complement: FBN2 is on the minus strand). VCF-style: chr5-128332954-T-G. GRCh37 (hg19) VCF-style: chr5-127668646-T-G.
Other names: short protein forms S1394R.
Identifiers: ClinVar variation 1738498 (VCV001738498.2), dbSNP rs2479791786, ClinGen allele CA360754880.